The following is an entry in ClinVar:

ClinVar aggregate classification (germline): Uncertain significance (1 of 4 stars; one submission).

Conditions:
Candidiasis, familial, 9 (CANDF9). Identifiers: Orphanet 1334, MedGen C4225324, MONDO:0014642, OMIM 616445.

Submission:

Labcorp Genetics (formerly Invitae), Labcorp
Classification: Uncertain significance for Candidiasis, familial, 9. Last evaluated: 2023-03-08. Review status: criteria provided, single submitter. Criteria: Invitae Variant Classification Sherloc (09022015). Collection method: clinical testing. Allele origin: germline.
Comment: This variant has not been reported in the literature in individuals affected with IL17RC-related conditions. This sequence change replaces alanine, which is neutral and non-polar, with serine, which is neutral and polar, at codon 585 of the IL17RC protein (p.Ala585Ser). The frequency data for this variant in the population databases is considered unreliable, as metrics indicate poor data quality at this position in the gnomAD database. An algorithm developed to predict the effect of missense changes on protein structure and function (PolyPhen-2) suggests that this variant is likely to be tolerated. In summary, the available evidence is currently insufficient to determine the role of this variant in disease. Therefore, it has been classified as a Variant of Uncertain Significance.

NM_153460.4(IL17RC):c.1540G>T (p.Ala514Ser)

Gene: IL17RC (interleukin 17 receptor C; plus strand). Cytogenetic location: 3p25.3.
Variant type: single nucleotide variant.
Coding change: c.1540G>T on transcript NM_153460.4 (MANE Select); coding-DNA position 1540, G replaced by T.
Protein change: p.Ala514Ser; replaces alanine 514 with serine.
Molecular consequence: missense variant. On other transcripts: non-coding transcript variant (1).
Genome position (GRCh38, 1-based): chr3:9,932,970, G>T. VCF-style: chr3-9932970-G-T. GRCh37 (hg19) VCF-style: chr3-9974654-G-T.
Other names: c.1501G>T, p.Ala501Ser (NM_001203263.2); c.1450G>T, p.Ala484Ser (NM_001203264.2); c.1444G>T, p.Ala482Ser (NM_001203265.2); c.1462G>T, p.Ala488Ser (NM_001367278.1); c.1381G>T, p.Ala461Ser (NM_001367279.1); c.1456G>T, p.Ala486Ser (NM_001367280.1); c.1405G>T, p.Ala469Ser (NM_001410711.1); c.1495G>T, p.Ala499Ser (NM_032732.6); and 1 more; short protein forms A501S, A514S, A461S, A482S, A484S, A488S, A585S, A469S.
Identifiers: ClinVar variation 2782561 (VCV002782561.3), dbSNP rs781344721, ClinGen allele CA2247361.